The following is an entry in ClinVar:

ClinVar aggregate classification (germline): Uncertain significance (1 of 4 stars; one submission).

Conditions:
Short-rib thoracic dysplasia 8 with or without polydactyly (SRTD8). Also called: SHORT-RIB THORACIC DYSPLASIA 8 WITH POLYDACTYLY. Identifiers: Orphanet 93271, MedGen C3809691, MONDO:0014214, OMIM 615503.

Allele frequency attached by ClinVar (database versions not stated): gnomAD exomes 0.00002; TOPMed 0.00002; gnomAD 0.00003; 1000 Genomes Project 30x 0.00016.

Submission:

Labcorp Genetics (formerly Invitae), Labcorp
Classification: Uncertain significance for Short-rib thoracic dysplasia 8 with or without polydactyly. Last evaluated: 2021-08-11. Review status: criteria provided, single submitter. Criteria: Invitae Variant Classification Sherloc (09022015). Collection method: clinical testing. Allele origin: germline.
Comment: This sequence change falls in intron 1 of the WDR60 gene. It does not directly change the encoded amino acid sequence of the WDR60 protein. It affects a nucleotide within the consensus splice site of the intron. The frequency data for this variant in the population databases is considered unreliable, as metrics indicate insufficient coverage at this position in the ExAC database. This variant has not been reported in the literature in individuals affected with WDR60-related conditions. Nucleotide substitutions within the consensus splice site are a relatively common cause of aberrant splicing (PMID: 17576681, 9536098). Algorithms developed to predict the effect of sequence changes on RNA splicing suggest that this variant is not likely to affect RNA splicing. In summary, the available evidence is currently insufficient to determine the role of this variant in disease. Therefore, it has been classified as a Variant of Uncertain Significance.

Literature cited by the submitters: PubMed 17576681; PubMed 9536098.

NM_018051.5(DYNC2I1):c.15+4G>A

Genes: DYNC2I1 (dynein 2 intermediate chain 1; plus strand), LOC129999765 (ATAC-STARR-seq lymphoblastoid silent region 18874; plus strand). Cytogenetic location: 7q36.3.
Variant type: single nucleotide variant.
Coding change: c.15+4G>A on transcript NM_018051.5 (MANE Select); 4 bases into the intron after coding-DNA position 15, G replaced by A.
Molecular consequence: intron variant.
Genome position (GRCh38, 1-based): chr7:158,856,754, G>A. VCF-style: chr7-158856754-G-A. GRCh37 (hg19) VCF-style: chr7-158649445-G-A.
Other names: c.-123-13101G>A (NM_001350914.2); c.-1471+4G>A (NM_001350918.2); c.-1352+4G>A (NM_001350917.2); c.-1344+4G>A (NM_001350916.2); c.-503+4G>A (NM_001350915.2).
Identifiers: ClinVar variation 1680632 (VCV001680632.3), dbSNP rs1026363779, ClinGen allele CA170044361.